The following is an entry in ClinVar:

NM_013275.6(ANKRD11):c.3190G>T (p.Glu1064Ter)

Gene: ANKRD11 (ankyrin repeat domain 11; minus strand). Cytogenetic location: 16q24.3.
Variant type: single nucleotide variant.
Coding change: c.3190G>T on transcript NM_013275.6 (MANE Select); coding-DNA position 3190, G replaced by T.
Protein change: p.Glu1064Ter; replaces glutamic acid 1064 with a stop codon.
Molecular consequence: nonsense.
Genome position (GRCh38, 1-based): chr16:89,283,352, C>A on the plus strand (G>T on the coding strand, the complement: ANKRD11 is on the minus strand). VCF-style: chr16-89283352-C-A. GRCh37 (hg19) VCF-style: chr16-89349760-C-A.
Other names: c.3190G>T, p.Glu1064Ter (NM_001256182.2, NM_001256183.2); short protein forms E1064*.
Identifiers: ClinVar variation 4729456 (VCV004729456.1).
Genomic context (GRCh38, chr16:89,283,352, plus strand): 5'-TCCCTTGGTCGAGAGACGCTTTCCTTTCTTTGTCTTTGCCATGTGTGTCTTTATGTTTTT[C>A]CTTGGTATCTTTTTTCTCTTTAAAACATTTATCAAATTCTTTGTCCTTCTGACATTTTTC-3'

ClinVar aggregate classification (germline): Pathogenic (1 of 4 stars; one submission).

Conditions:
KBG syndrome (KBGS). Also called: ANKRD11-Related KBG Syndrome. Identifiers: Orphanet 2332, MedGen C0220687, MONDO:0007846, OMIM 148050.

Submission:

Labcorp Genetics (formerly Invitae), Labcorp
Classification: Pathogenic for KBG syndrome. Last evaluated: 2025-11-10. Review status: criteria provided, single submitter. Criteria: Invitae Variant Classification Sherloc (09022015). Collection method: clinical testing. Allele origin: germline.
Comment: This sequence change creates a premature translational stop signal (p.Glu1064*) in the ANKRD11 gene. It is expected to result in an absent or disrupted protein product. Loss-of-function variants in ANKRD11 are known to be pathogenic (PMID: 21782149, 25125236, 25413698, 25652421). This variant is not present in population databases (gnomAD no frequency). This variant has not been reported in the literature in individuals affected with ANKRD11-related conditions. For these reasons, this variant has been classified as Pathogenic.

Literature cited by the submitters: PubMed 21782149; PubMed 25125236; PubMed 25413698; PubMed 25652421.